The following is an entry in ClinVar:

NM_001018115.3(FANCD2):c.2014C>A (p.Pro672Thr)

Genes: FANCD2 (FA complementation group D2; plus strand), LOC107303338 (3p25 FANCD2 Alu-mediated recombination region; plus strand). Cytogenetic location: 3p25.3.
Variant type: single nucleotide variant.
Coding change: c.2014C>A on transcript NM_001018115.3 (MANE Select); coding-DNA position 2014, C replaced by A.
Protein change: p.Pro672Thr; replaces proline 672 with threonine.
Molecular consequence: missense variant.
Genome position (GRCh38, 1-based): chr3:10,064,422, C>A. VCF-style: chr3-10064422-C-A. GRCh37 (hg19) VCF-style: chr3-10106106-C-A.
Other names: c.2014C>A, p.Pro672Thr (NM_001319984.2, NM_001374254.1, NM_033084.6); c.1903C>A, p.Pro635Thr (NM_001374253.1); short protein forms P635T, P672T.
Identifiers: ClinVar variation 2898869 (VCV002898869.3), dbSNP rs2087656448, ClinGen allele CA351732631.

ClinVar aggregate classification (germline): Uncertain significance (1 of 4 stars; one submission).

Conditions:
Fanconi anemia (FA). Also called: Fanconi's anemia. Identifiers: Orphanet 84, MedGen C0015625, MeSH D005199, MONDO:0019391.

Allele frequency attached by ClinVar (database versions not stated): gnomAD 0.00001.
gnomAD v4.1: 1 of 1,613,484 alleles (0.000062%); highest among the groups gnomAD compares: African/African-American, 0.0013%; no homozygotes.

Submission:

Labcorp Genetics (formerly Invitae), Labcorp
Classification: Uncertain significance for Fanconi anemia. Last evaluated: 2023-04-12. Review status: criteria provided, single submitter. Criteria: Invitae Variant Classification Sherloc (09022015). Collection method: clinical testing. Allele origin: germline.
Comment: Advanced modeling of protein sequence and biophysical properties (such as structural, functional, and spatial information, amino acid conservation, physicochemical variation, residue mobility, and thermodynamic stability) performed at Invitae indicates that this missense variant is not expected to disrupt FANCD2 protein function. In summary, the available evidence is currently insufficient to determine the role of this variant in disease. Therefore, it has been classified as a Variant of Uncertain Significance. This sequence change replaces proline, which is neutral and non-polar, with threonine, which is neutral and polar, at codon 672 of the FANCD2 protein (p.Pro672Thr). This variant has not been reported in the literature in individuals affected with FANCD2-related conditions. This variant is not present in population databases (gnomAD no frequency).